The following is an entry in ClinVar:

ClinVar aggregate classification (germline): Benign/Likely benign. Review status: criteria provided, multiple submitters, no conflicts (2 of 4 stars). 2 submissions from 2 submitters: Benign (1); Likely benign (1). Last evaluated 2025-02-16.

Conditions:
Leigh syndrome (NULS). Also called: Leigh's necrotizing encephalopathy; Leigh's disease; Leigh Syndrome (mtDNA deletion); Leigh Disease; Subacute necrotizing encephalopathy; Necrotizing encephalopathy infantile subacute of Leigh. Identifiers: Orphanet 506, MedGen C2931891, MONDO:0009723, OMIM 256000.

Submissions (2):

Laboratory of Genetics, Children's Clinical University Hospital Latvia
Classification: Likely benign. Last evaluated: 2025-02-16. Review status: criteria provided, single submitter. Criteria: ACMG Guidelines, 2015. Collection method: clinical testing. Allele origin: germline. Affected: yes.

Wong Mito Lab, Molecular and Human Genetics, Baylor College of Medicine
Classification: Benign for Leigh syndrome. Last evaluated: 2019-10-17. Review status: criteria provided, single submitter. Criteria: Modified ACMG Guidelines (Unpublished). Collection method: clinical testing. Allele origin: germline.
Comment: The NC_012920.1:m.6340C>T (YP_003024028.1:p.Thr146Ile) variant in MTCO1 gene is interpretated to be a Benign variant based on the modified ACMG guidelines (unpublished). This variant meets the following evidence codes: BS1, BS2

NC_012920.1(MT-CO1):m.6340C>T

Gene: MT-CO1 (mitochondrially encoded cytochrome c oxidase I; plus strand).
Variant type: single nucleotide variant.
Genome position: chrM-6340-C-T.
Identifiers: ClinVar variation 692641 (VCV000692641.2), dbSNP rs1603220429, ClinGen allele CA414783336.
Genomic context (GRCh38, chrMT:6,340, plus strand): 5'-GAACAGTCTACCCTCCCTTAGCAGGGAACTACTCCCACCCTGGAGCCTCCGTAGACCTAA[C>T]CATCTTCTCCTTACACCTAGCAGGTGTCTCCTCTATCTTAGGGGCCATCAATTTCATCAC-3'